The following is an entry in ClinVar:

NM_138773.4(SLC25A46):c.458C>A (p.Thr153Asn)

Gene: SLC25A46 (solute carrier family 25 member 46; plus strand). Cytogenetic location: 5q22.1.
Variant type: single nucleotide variant.
Coding change: c.458C>A on transcript NM_138773.4 (MANE Select); coding-DNA position 458, C replaced by A.
Protein change: p.Thr153Asn; replaces threonine 153 with asparagine.
Molecular consequence: missense variant. On other transcripts: non-coding transcript variant (1).
Genome position (GRCh38, 1-based): chr5:110,746,342, C>A. VCF-style: chr5-110746342-C-A. GRCh37 (hg19) VCF-style: chr5-110082043-C-A.
Other names: p.Thr153Asn; c.458C>A, p.Thr153Asn (NM_001303249.3); c.185C>A, p.Thr62Asn (NM_001303250.3); c.458C>A (NM_138773.1); short protein forms T153N, T62N.
Identifiers: ClinVar variation 582594 (VCV000582594.12), dbSNP rs775286893, ClinGen allele CA3364598.

ClinVar aggregate classification (germline): Uncertain significance. Review status: criteria provided, multiple submitters, no conflicts (2 of 4 stars). 4 submissions from 4 submitters: Uncertain significance (4). Last evaluated 2025-10-07.

Conditions:
Neuropathy, hereditary motor and sensory, type 6B (HMSN6B). Also called: Neuropathy, hereditary motor and sensory, type VIB; HMSN VIB; CHARCOT-MARIE-TOOTH DISEASE, TYPE 6B; NEUROPATHY, HEREDITARY MOTOR AND SENSORY, TYPE VIB, WITH OPTIC ATROPHY. Identifiers: MedGen C4225302, MONDO:0014671, OMIM 616505.
Inborn genetic diseases. Identifiers: MedGen C0950123, MeSH D030342.

Allele frequency attached by ClinVar (database versions not stated): ExAC 0.00001; gnomAD exomes 0.00001 and 0.00002; gnomAD 0.00003; TOPMed 0.00003.

Submissions (4):

GeneDx
Classification: Uncertain significance. Last evaluated: 2025-10-07. Review status: criteria provided, single submitter. Criteria: GeneDx Variant Classification Process June 2021. Collection method: clinical testing. Allele origin: germline.
Comment: Not observed at significant frequency in large population cohorts (gnomAD); In silico analysis suggests that this missense variant does not alter protein structure/function; Has not been previously published as pathogenic or benign to our knowledge

Ambry Genetics
Classification: Uncertain significance for Inborn genetic diseases. Last evaluated: 2025-06-19. Review status: criteria provided, single submitter. Criteria: Ambry Variant Classification Scheme 2023. Collection method: clinical testing. Allele origin: germline.

Mayo Clinic Laboratories, Mayo Clinic
Classification: Uncertain significance. Last evaluated: 2024-11-19. Review status: criteria provided, single submitter. Criteria: ACMG Guidelines, 2015. Collection method: clinical testing. Allele origin: germline. Observed: 1 variant allele.
Comment: PM2_supporting

Labcorp Genetics (formerly Invitae), Labcorp
Classification: Uncertain significance for Neuropathy, hereditary motor and sensory, type 6B. Last evaluated: 2024-10-15. Review status: criteria provided, single submitter. Criteria: Invitae Variant Classification Sherloc (09022015). Collection method: clinical testing. Allele origin: germline.
Comment: This sequence change replaces threonine, which is neutral and polar, with asparagine, which is neutral and polar, at codon 153 of the SLC25A46 protein (p.Thr153Asn). This variant is present in population databases (rs775286893, gnomAD 0.003%). This variant has not been reported in the literature in individuals affected with SLC25A46-related conditions. ClinVar contains an entry for this variant (Variation ID: 582594). An algorithm developed to predict the effect of missense changes on protein structure and function (PolyPhen-2) suggests that this variant is likely to be tolerated. In summary, the available evidence is currently insufficient to determine the role of this variant in disease. Therefore, it has been classified as a Variant of Uncertain Significance.